The following is an entry in ClinVar:

NM_012338.4(TSPAN12):c.*1270T>G

Gene: TSPAN12 (tetraspanin 12; minus strand). Cytogenetic location: 7q31.31.
Variant type: single nucleotide variant.
Coding change: c.*1270T>G on transcript NM_012338.4 (MANE Select); 1270 bases downstream of the stop codon, T replaced by G.
Molecular consequence: 3 prime UTR variant.
Genome position (GRCh38, 1-based): chr7:120,787,322, A>C on the plus strand (T>G on the coding strand, the complement: TSPAN12 is on the minus strand). VCF-style: chr7-120787322-A-C. GRCh37 (hg19) VCF-style: chr7-120427376-A-C.
Identifiers: ClinVar variation 358751 (VCV000358751.5), dbSNP rs147549883, ClinGen allele CA10628148.

ClinVar aggregate classification (germline): Benign (1 of 4 stars; one submission).

Conditions:
Exudative vitreoretinopathy 5 (EVR5). Identifiers: Orphanet 891, MedGen C2750079, MONDO:0013218, OMIM 613310.

Allele frequency attached by ClinVar (database versions not stated): gnomAD 0.00395 and 0.00424; 1000 Genomes Project 0.00419; TOPMed 0.00430; 1000 Genomes Project 30x 0.00437.

Submission:

Illumina Laboratory Services, Illumina
Classification: Benign for Exudative vitreoretinopathy 5. Last evaluated: 2018-01-12. Review status: criteria provided, single submitter. Criteria: ICSL Variant Classification Criteria 13 December 2019. Collection method: clinical testing. Allele origin: germline.
Comment: This variant was observed in the ICSL laboratory as part of a predisposition screen in an ostensibly healthy population. It had not been previously curated by ICSL or reported in the Human Gene Mutation Database (HGMD: prior to June 1st, 2018), and was therefore a candidate for classification through an automated scoring system. Utilizing variant allele frequency, disease prevalence and penetrance estimates, and inheritance mode, an automated score was calculated to assess if this variant is too frequent to cause the disease. Based on the score and internal cut-off values, a variant classified as benign is not then subjected to further curation. The score for this variant resulted in a classification of benign for this disease.